The following is an entry in ClinVar:

NM_152419.3(HGSNAT):c.1805A>G (p.Asn602Ser)

Gene: HGSNAT (heparan-alpha-glucosaminide N-acetyltransferase; plus strand). Cytogenetic location: 8p11.21.
Variant type: single nucleotide variant.
Coding change: c.1805A>G on transcript NM_152419.3 (MANE Select); coding-DNA position 1805, A replaced by G.
Protein change: p.Asn602Ser; replaces asparagine 602 with serine.
Molecular consequence: missense variant.
Genome position (GRCh38, 1-based): chr8:43,199,466, A>G. VCF-style: chr8-43199466-A-G. GRCh37 (hg19) VCF-style: chr8-43054609-A-G.
Other names: c.1892A>G, p.Asn631Ser (NM_001363227.2); c.1613A>G, p.Asn538Ser (NM_001363228.2); c.941A>G, p.Asn314Ser (NM_001363229.2); short protein forms N314S, N602S, N631S, N538S.
Identifiers: ClinVar variation 939972 (VCV000939972.4), dbSNP rs754415813, ClinGen allele CA4737029.

ClinVar aggregate classification (germline): Uncertain significance (1 of 4 stars; one submission).

Conditions:
Mucopolysaccharidosis, MPS-III-C (MPS3C). Also called: mucopolysaccharidosis type 3C; MUCOPOLYSACCHARIDOSIS, TYPE IIIC; SANFILIPPO SYNDROME C; MPS III C; Mucopolysaccharidosis type IIIC (Sanfilippo C); MPS IIIC (Sanfilippo Syndrome Type C). Identifiers: Orphanet 581, Orphanet 79271, MedGen C0086649, MONDO:0009657, OMIM 252930.
Retinitis pigmentosa 73 (RP73). Identifiers: Orphanet 791, MedGen C4225287, MONDO:0014687, OMIM 616544.

Allele frequency attached by ClinVar (database versions not stated): gnomAD exomes 0.00002 and 0.00001; gnomAD 0.00003 and 0.00004; ExAC 0.00004; TOPMed 0.00004.
gnomAD v4.1: 12 of 1,612,450 alleles (0.00074%); highest among the groups gnomAD compares: African/African-American, 0.011%; no homozygotes.

Submission:

Labcorp Genetics (formerly Invitae), Labcorp
Classification: Uncertain significance for Retinitis pigmentosa 73; Mucopolysaccharidosis, MPS-III-C. Last evaluated: 2022-11-01. Review status: criteria provided, single submitter. Criteria: Invitae Variant Classification Sherloc (09022015). Collection method: clinical testing. Allele origin: germline.
Comment: This sequence change replaces asparagine, which is neutral and polar, with serine, which is neutral and polar, at codon 602 of the HGSNAT protein (p.Asn602Ser). This variant is present in population databases (rs754415813, gnomAD 0.01%). This variant has not been reported in the literature in individuals affected with HGSNAT-related conditions. ClinVar contains an entry for this variant (Variation ID: 939972). Advanced modeling of protein sequence and biophysical properties (such as structural, functional, and spatial information, amino acid conservation, physicochemical variation, residue mobility, and thermodynamic stability) performed at Invitae indicates that this missense variant is not expected to disrupt HGSNAT protein function. In summary, the available evidence is currently insufficient to determine the role of this variant in disease. Therefore, it has been classified as a Variant of Uncertain Significance.